The following is an entry in ClinVar:

ClinVar aggregate classification (germline): Likely benign. Review status: criteria provided, multiple submitters, no conflicts (2 of 4 stars). 3 submissions from 3 submitters: Likely benign (3). Last evaluated 2026-02-23.

gnomAD v4.1: 1,027 of 1,556,184 alleles (0.066%); highest among the groups gnomAD compares: South Asian, 0.071%; 1 homozygote.

Submissions (3):

Women's Health and Genetics/Laboratory Corporation of America, LabCorp
Classification: Likely benign. Last evaluated: 2026-02-23. Review status: criteria provided, single submitter. Criteria: LabCorp Variant Classification Summary - May 2015. Collection method: clinical testing. Allele origin: germline.

Blueprint Genetics
Classification: Likely benign. Last evaluated: 2024-10-31. Review status: criteria provided, single submitter. Criteria: ACMG Guidelines, 2015. Collection method: clinical testing. Allele origin: germline.

CeGaT Center for Human Genetics Tuebingen
Classification: Likely benign. Last evaluated: 2024-07-01. Review status: criteria provided, single submitter. Criteria: CeGaT Center For Human Genetics Tuebingen Variant Classification Criteria Version 2. Collection method: clinical testing. Allele origin: germline. Affected: yes. Observed: 1 variant allele.
Comment: NBEA: BP4, BP7

NM_001385012.1(NBEA):c.4044A>G (p.Leu1348=)

Gene: NBEA (neurobeachin; plus strand). Cytogenetic location: 13q13.3.
Variant type: single nucleotide variant.
Coding change: c.4044A>G on transcript NM_001385012.1 (MANE Select); coding-DNA position 4044, A replaced by G.
Protein change: p.Leu1348=; no amino-acid change (leucine 1348 retained).
Molecular consequence: synonymous variant.
Genome position (GRCh38, 1-based): chr13:35,161,932, A>G. VCF-style: chr13-35161932-A-G. GRCh37 (hg19) VCF-style: chr13-35736069-A-G.
Other names: c.4044A>G, p.Leu1348= (NM_001379245.1, NM_015678.5).
Identifiers: ClinVar variation 3257576 (VCV003257576.19).